The following is an entry in ClinVar:

ClinVar aggregate classification (germline): Benign/Likely benign. Review status: criteria provided, multiple submitters, no conflicts (2 of 4 stars). 8 submissions from 7 submitters: Benign (4); Likely benign (2). 2 of the submissions do not count toward it. Last evaluated 2026-02-04.

Conditions:
Leber congenital amaurosis 6 (LCA6). Identifiers: Orphanet 65, MedGen C1854260, MONDO:0013446, OMIM 613826.
Cone-rod dystrophy 13 (CORD13). Identifiers: Orphanet 1872, MedGen C2750720, MONDO:0011987, OMIM 608194.

Allele frequency attached by ClinVar (database versions not stated): ESP Exome Variant Server 0.00008; gnomAD 0.00130 and 0.00167; TOPMed 0.00195; gnomAD exomes 0.00312; ExAC 0.00421; 1000 Genomes Project 30x 0.00687; 1000 Genomes Project 0.00759.
gnomAD v4.1: 1,670 of 1,594,698 alleles (0.1%); highest among the groups gnomAD compares: East Asian, 2.9%; 32 homozygotes.

Submissions (8):

Labcorp Genetics (formerly Invitae), Labcorp
Classification: Benign for Leber congenital amaurosis 6; Cone-rod dystrophy 13. Last evaluated: 2026-02-04. Review status: criteria provided, single submitter. Criteria: Invitae Variant Classification Sherloc (09022015). Collection method: clinical testing. Allele origin: germline.

Blueprint Genetics
Classification: Likely benign. Last evaluated: 2024-11-27. Review status: criteria provided, single submitter. Criteria: ACMG Guidelines, 2015. Collection method: clinical testing. Allele origin: germline.

GeneDx
Classification: Benign. Last evaluated: 2018-12-06. Review status: criteria provided, single submitter. Criteria: GeneDx Variant Classification Process June 2021. Collection method: clinical testing. Allele origin: germline. Affected: yes.

Illumina Laboratory Services, Illumina
Classification: Benign for Cone-rod dystrophy 13. Last evaluated: 2018-01-12. Review status: criteria provided, single submitter. Criteria: ICSL Variant Classification Criteria 13 December 2019. Collection method: clinical testing. Allele origin: germline.
Comment: This variant was observed in the ICSL laboratory as part of a predisposition screen in an ostensibly healthy population. It had not been previously curated by ICSL or reported in the Human Gene Mutation Database (HGMD: prior to June 1st, 2018), and was therefore a candidate for classification through an automated scoring system. Utilizing variant allele frequency, disease prevalence and penetrance estimates, and inheritance mode, an automated score was calculated to assess if this variant is too frequent to cause the disease. Based on the score and internal cut-off values, a variant classified as benign is not then subjected to further curation. The score for this variant resulted in a classification of benign for this disease.

Illumina Laboratory Services, Illumina
Classification: Likely benign for Leber congenital amaurosis 6. Last evaluated: 2018-01-12. Review status: criteria provided, single submitter. Criteria: ICSL Variant Classification Criteria 13 December 2019. Collection method: clinical testing. Allele origin: germline.
Comment: This variant was observed in the ICSL laboratory as part of a predisposition screen in an ostensibly healthy population. It had not been previously curated by ICSL or reported in the Human Gene Mutation Database (HGMD: prior to June 1st, 2018), and was therefore a candidate for classification through an automated scoring system. Utilizing variant allele frequency, disease prevalence and penetrance estimates, and inheritance mode, an automated score was calculated to assess if this variant is too frequent to cause the disease. Based on the score and internal cut-off values, a variant classified as likely benign is not then subjected to further curation. The score for this variant resulted in a classification of likely benign for this disease.

Eurofins Ntd Llc (ga)
Classification: Benign. Last evaluated: 2015-10-12. Review status: criteria provided, single submitter. Criteria: EGL Classification Definitions 2015. Collection method: clinical testing. Allele origin: germline. Observed: 1 variant allele, 1 heterozygote.

Clinical Genetics DNA and cytogenetics Diagnostics Lab, Erasmus MC, Erasmus Medical Center
Classification: Benign. Review status: no assertion criteria provided. Collection method: clinical testing. Allele origin: germline. Affected: yes. Study: VKGL Data-share Consensus. Not counted in ClinVar's aggregate classification.

Clinical Genetics, Academic Medical Center
Classification: Benign. Review status: no assertion criteria provided. Collection method: clinical testing. Allele origin: germline. Affected: yes. Study: VKGL Data-share Consensus. Not counted in ClinVar's aggregate classification.

NM_020366.4(RPGRIP1):c.450C>G (p.Leu150=)

Gene: RPGRIP1 (RPGR interacting protein 1; plus strand). Cytogenetic location: 14q11.2.
Variant type: single nucleotide variant.
Coding change: c.450C>G on transcript NM_020366.4 (MANE Select); coding-DNA position 450, C replaced by G.
Protein change: p.Leu150=; no amino-acid change (leucine 150 retained).
Molecular consequence: synonymous variant.
Genome position (GRCh38, 1-based): chr14:21,301,197, C>G. VCF-style: chr14-21301197-C-G. GRCh37 (hg19) VCF-style: chr14-21769356-C-G.
Identifiers: ClinVar variation 283572 (VCV000283572.24), dbSNP rs144585562, ClinGen allele CA7088656.